The following is an entry in ClinVar:

ClinVar aggregate classification (germline): Uncertain significance (1 of 4 stars; one submission).

gnomAD v4.1: 27 of 1,611,964 alleles (0.0017%); highest among the groups gnomAD compares: Non-Finnish European, 0.002%; no homozygotes.

Submission:

Labcorp Genetics (formerly Invitae), Labcorp
Classification: Uncertain significance. Last evaluated: 2026-01-07. Review status: criteria provided, single submitter. Criteria: Invitae Variant Classification Sherloc (09022015). Collection method: clinical testing. Allele origin: germline.
Comment: This sequence change replaces arginine, which is basic and polar, with tryptophan, which is neutral and slightly polar, at codon 273 of the NFATC1 protein (p.Arg273Trp). This variant is present in population databases (rs767978252, gnomAD 0.003%). This variant has not been reported in the literature in individuals affected with NFATC1-related conditions. An algorithm developed to predict the effect of missense changes on protein structure and function (PolyPhen-2) suggests that this variant is likely to be disruptive. In summary, the available evidence is currently insufficient to determine the role of this variant in disease. Therefore, it has been classified as a Variant of Uncertain Significance.

NM_001278669.2(NFATC1):c.817C>T (p.Arg273Trp)

Gene: NFATC1 (nuclear factor of activated T cells 1; plus strand). Cytogenetic location: 18q23.
Variant type: single nucleotide variant.
Coding change: c.817C>T on transcript NM_001278669.2 (MANE Select); coding-DNA position 817, C replaced by T.
Protein change: p.Arg273Trp; replaces arginine 273 with tryptophan.
Molecular consequence: missense variant. On other transcripts: intron variant (2).
Genome position (GRCh38, 1-based): chr18:79,411,092, C>T. VCF-style: chr18-79411092-C-T. GRCh37 (hg19) VCF-style: chr18-77171092-C-T.
Other names: c.817C>T, p.Arg273Trp (NM_001278670.2, NM_006162.5, NM_172390.3); c.778C>T, p.Arg260Trp (NM_001278672.2, NM_001278675.2, NM_172387.3 and 1 more transcripts); c.-191+14741C>T (NM_172388.3); c.-191+10613C>T (NM_001278673.2); short protein forms R260W, R273W.
Identifiers: ClinVar variation 4695314 (VCV004695314.1).